The following is an entry in ClinVar:

NM_001130144.3(LTBP3):c.3629A>C (p.Asp1210Ala)

Gene: LTBP3 (latent transforming growth factor beta binding protein 3; minus strand). Cytogenetic location: 11q13.1.
Variant type: single nucleotide variant.
Coding change: c.3629A>C on transcript NM_001130144.3 (MANE Select); coding-DNA position 3629, A replaced by C.
Protein change: p.Asp1210Ala; replaces aspartic acid 1210 with alanine.
Molecular consequence: missense variant.
Genome position (GRCh38, 1-based): chr11:65,539,459, T>G on the plus strand (A>C on the coding strand, the complement: LTBP3 is on the minus strand). VCF-style: chr11-65539459-T-G. GRCh37 (hg19) VCF-style: chr11-65306930-T-G.
Other names: c.3137A>C, p.Asp1046Ala (NM_001164266.1); c.3488A>C, p.Asp1163Ala (NM_021070.4); short protein forms D1046A, D1163A, D1210A.
Identifiers: ClinVar variation 3723407 (VCV003723407.2).

ClinVar aggregate classification (germline): Uncertain significance (1 of 4 stars; one submission).

Conditions:
Brachyolmia-amelogenesis imperfecta syndrome. Also called: PLATYSPONDYLY WITH AMELOGENESIS IMPERFECTA; Tooth agenesis, selective, 6; Dental anomalies and short stature. Identifiers: Orphanet 2899, MedGen C1832594, MONDO:0011018, OMIM 601216. Disease mechanism: loss of function.

Submission:

Labcorp Genetics (formerly Invitae), Labcorp
Classification: Uncertain significance for Brachyolmia-amelogenesis imperfecta syndrome. Last evaluated: 2024-10-21. Review status: criteria provided, single submitter. Criteria: Invitae Variant Classification Sherloc (09022015). Collection method: clinical testing. Allele origin: germline.
Comment: This sequence change replaces aspartic acid, which is acidic and polar, with alanine, which is neutral and non-polar, at codon 1210 of the LTBP3 protein (p.Asp1210Ala). This variant is not present in population databases (gnomAD no frequency). This variant has not been reported in the literature in individuals affected with LTBP3-related conditions. An algorithm developed to predict the effect of missense changes on protein structure and function (PolyPhen-2) suggests that this variant is likely to be tolerated. In summary, the available evidence is currently insufficient to determine the role of this variant in disease. Therefore, it has been classified as a Variant of Uncertain Significance.